The following is an entry in ClinVar:

NM_001370.2(DNAH6):c.11359+5A>G

Gene: DNAH6 (dynein axonemal heavy chain 6; plus strand). Cytogenetic location: 2p11.2.
Variant type: single nucleotide variant.
Coding change: c.11359+5A>G on transcript NM_001370.2 (MANE Select); 5 bases into the intron after coding-DNA position 11359, A replaced by G.
Molecular consequence: intron variant.
Genome position (GRCh38, 1-based): chr2:84,796,430, A>G. VCF-style: chr2-84796430-A-G. GRCh37 (hg19) VCF-style: chr2-85023554-A-G.
Identifiers: ClinVar variation 402745 (VCV000402745.9), dbSNP rs754273, ClinGen allele CA1737775.

ClinVar aggregate classification (germline): Benign. Review status: criteria provided, multiple submitters, no conflicts (2 of 4 stars). 4 submissions from 4 submitters: Benign (3). 1 of the submissions does not count toward it. Last evaluated 2021-05-04.

Conditions:
DNAH6-related disorder. Also called: DNAH6-related condition.

Allele frequency attached by ClinVar (database versions not stated): gnomAD exomes 0.16147 and 0.17403; ExAC 0.18716; 1000 Genomes Project 0.21206; ESP Exome Variant Server 0.21529; 1000 Genomes Project 30x 0.22096; gnomAD 0.22460 and 0.23195; TOPMed 0.23614.
gnomAD v4.1: 252,286 of 1,498,844 alleles (17%); highest among the groups gnomAD compares: African/African-American, 40%; 23,880 homozygotes.

Submissions (4):

GeneDx
Classification: Benign. Last evaluated: 2021-05-04. Review status: criteria provided, single submitter. Criteria: GeneDx Variant Classification Process June 2021. Collection method: clinical testing. Allele origin: germline. Affected: yes.

Laboratory for Molecular Medicine, Mass General Brigham Personalized Medicine
Classification: Benign. Last evaluated: 2016-03-28. Review status: criteria provided, single submitter. Criteria: LMM Criteria. Collection method: clinical testing. Allele origin: germline.
Comment: Variant identified in a genome or exome case(s) and assessed due to predicted null impact of the variant or pathogenic assertions in the literature or databases. Disclaimer: This variant has not undergone full assessment. The following are preliminary notes: Frequency

Breakthrough Genomics
Classification: Benign. Review status: criteria provided, single submitter. Criteria: ACMG Guidelines, 2015. Collection method: not provided. Allele origin: germline. Inheritance: Unknown mechanism. Affected: yes.

PreventionGenetics, part of Exact Sciences
Classification: Benign for DNAH6-related condition. Last evaluated: 2019-10-28. Review status: no assertion criteria provided. Collection method: clinical testing. Allele origin: germline. Not counted in ClinVar's aggregate classification.
Comment: This variant is classified as benign based on ACMG/AMP sequence variant interpretation guidelines (Richards et al. 2015 PMID: 25741868, with internal and published modifications).